The following is an entry in ClinVar:

ClinVar aggregate classification (germline): Likely benign. Review status: criteria provided, multiple submitters, no conflicts (2 of 4 stars). 3 submissions from 3 submitters: Likely benign (2). 1 of the submissions does not count toward it. Last evaluated 2024-09-01.

Conditions:
MYO5B-related disorder. Also called: MYO5B-related condition.

Allele frequency attached by ClinVar (database versions not stated): gnomAD 0.00004 and 0.00005; gnomAD exomes 0.00004 and 0.00011; ExAC 0.00011; 1000 Genomes Project 30x 0.00016.
gnomAD v4.1: 70 of 1,613,898 alleles (0.0043%); highest among the groups gnomAD compares: East Asian, 0.14%; no homozygotes.

Submissions (3):

Labcorp Genetics (formerly Invitae), Labcorp
Classification: Likely benign. Last evaluated: 2024-09-01. Review status: criteria provided, single submitter. Criteria: Invitae Variant Classification Sherloc (09022015). Collection method: clinical testing. Allele origin: germline.

Blueprint Genetics
Classification: Likely benign. Last evaluated: 2022-12-28. Review status: criteria provided, single submitter. Criteria: ACMG Guidelines, 2015. Collection method: clinical testing. Allele origin: germline.

PreventionGenetics, part of Exact Sciences
Classification: Likely benign for MYO5B-related condition. Last evaluated: 2022-06-09. Review status: no assertion criteria provided. Collection method: clinical testing. Allele origin: germline. Not counted in ClinVar's aggregate classification.
Comment: This variant is classified as likely benign based on ACMG/AMP sequence variant interpretation guidelines (Richards et al. 2015 PMID: 25741868, with internal and published modifications).

NM_001080467.3(MYO5B):c.2414+9G>T

Gene: MYO5B (myosin VB; minus strand). Cytogenetic location: 18q21.1.
Variant type: single nucleotide variant.
Coding change: c.2414+9G>T on transcript NM_001080467.3 (MANE Select); 9 bases into the intron after coding-DNA position 2414, G replaced by T.
Molecular consequence: intron variant.
Genome position (GRCh38, 1-based): chr18:49,906,410, C>A on the plus strand (G>T on the coding strand, the complement: MYO5B is on the minus strand). VCF-style: chr18-49906410-C-A. GRCh37 (hg19) VCF-style: chr18-47432780-C-A.
Other names: c.2414+9G>T (NM_001080467.2).
Identifiers: ClinVar variation 1588489 (VCV001588489.11), dbSNP rs773897581, ClinGen allele CA8961104.